The following is an entry in ClinVar:

NM_018942.3(HMX1):c.59T>A (p.Leu20His)

Gene: HMX1 (H6 family homeobox 1; minus strand). Cytogenetic location: 4p16.1.
Variant type: single nucleotide variant.
Coding change: c.59T>A on transcript NM_018942.3 (MANE Select); coding-DNA position 59, T replaced by A.
Protein change: p.Leu20His; replaces leucine 20 with histidine.
Molecular consequence: missense variant.
Genome position (GRCh38, 1-based): chr4:8,871,556, A>T on the plus strand (T>A on the coding strand, the complement: HMX1 is on the minus strand). VCF-style: chr4-8871556-A-T. GRCh37 (hg19) VCF-style: chr4-8873282-A-T.
Other names: c.59T>A, p.Leu20His (NM_001306142.2); short protein forms L20H.
Identifiers: ClinVar variation 2162811 (VCV002162811.4), dbSNP rs1401586578, ClinGen allele CA356279480.

ClinVar aggregate classification (germline): Uncertain significance (1 of 4 stars; one submission).

gnomAD v4.1: 1 of 1,358,862 alleles (0.000074%); highest among the groups gnomAD compares: Admixed American, 0.0031%; no homozygotes.

Submission:

Labcorp Genetics (formerly Invitae), Labcorp
Classification: Uncertain significance. Last evaluated: 2022-08-19. Review status: criteria provided, single submitter. Criteria: Invitae Variant Classification Sherloc (09022015). Collection method: clinical testing. Allele origin: germline.
Comment: In summary, the available evidence is currently insufficient to determine the role of this variant in disease. Therefore, it has been classified as a Variant of Uncertain Significance. Algorithms developed to predict the effect of missense changes on protein structure and function are either unavailable or do not agree on the potential impact of this missense change (SIFT: "Tolerated"; PolyPhen-2: "Not Available"; Align-GVGD: "Class C0"). This variant has not been reported in the literature in individuals affected with HMX1-related conditions. The frequency data for this variant in the population databases is considered unreliable, as metrics indicate poor data quality at this position in the gnomAD database. This sequence change replaces leucine, which is neutral and non-polar, with histidine, which is basic and polar, at codon 20 of the HMX1 protein (p.Leu20His).